The following is an entry in ClinVar:

ClinVar aggregate classification (germline): Conflicting classifications of pathogenicity. Review status: criteria provided, conflicting classifications (1 of 4 stars). 3 submissions from 3 submitters: Uncertain significance (2); Likely benign (1). Last evaluated 2024-02-19.

Conditions:
Familial cancer of breast. Also called: hereditary breast carcinoma; BREAST CANCER, FAMILIAL; Hereditary breast cancer. Identifiers: Orphanet 227535, MedGen C0346153, MONDO:0016419, OMIM 114480. Disease mechanism: loss of function.
Ataxia-telangiectasia syndrome (AT). Also called: ATAXIA-TELANGIECTASIA, COMPLEMENTATION GROUP A; ATAXIA-TELANGIECTASIA, FRESNO VARIANT; Ataxia-telangiectasia; Ataxia-telangiectasia, complementation group E; Cerebello-oculocutaneous telangiectasia; Immunodeficiency with ataxia telangiectasia. Identifiers: Orphanet 100, MedGen C0004135, MONDO:0008840, OMIM 208900.

Submissions (3):

Baylor Genetics
Classification: Uncertain significance for Familial cancer of breast. Last evaluated: 2024-02-19. Review status: criteria provided, single submitter. Criteria: ACMG Guidelines, 2015. Collection method: clinical testing. Allele origin: unknown.

Labcorp Genetics (formerly Invitae), Labcorp
Classification: Uncertain significance for Ataxia-telangiectasia syndrome. Last evaluated: 2021-09-29. Review status: criteria provided, single submitter. Criteria: Invitae Variant Classification Sherloc (09022015). Collection method: clinical testing. Allele origin: germline.
Comment: In summary, the available evidence is currently insufficient to determine the role of this variant in disease. Therefore, it has been classified as a Variant of Uncertain Significance. This sequence change falls in intron 59 of the ATM gene. It does not directly change the encoded amino acid sequence of the ATM protein. This variant is not present in population databases (ExAC no frequency). This variant has not been reported in the literature in individuals affected with ATM-related conditions. ClinVar contains an entry for this variant (Variation ID: 181845). Algorithms developed to predict the effect of sequence changes on RNA splicing suggest that this variant may create or strengthen a splice site.

GeneDx
Classification: Likely benign. Last evaluated: 2014-09-16. Review status: criteria provided, single submitter. Criteria: GeneDx Variant Classification (06012015). Collection method: clinical testing. Allele origin: germline. Affected: yes.
Comment: This variant is considered likely benign or benign based on one or more of the following criteria: it is a conservative change, it occurs at a poorly conserved position in the protein, it is predicted to be benign by multiple in silico algorithms, and/or has population frequency not consistent with disease.

NM_000051.4(ATM):c.8672-13T>G

Genes: C11orf65 (chromosome 11 open reading frame 65; minus strand), ATM (ATM serine/threonine kinase; plus strand). Cytogenetic location: 11q22.3.
Variant type: single nucleotide variant.
Coding change: c.8672-13T>G on transcript NM_000051.4 (MANE Select); 13 bases into the intron before coding-DNA position 8672, T replaced by G.
Molecular consequence: intron variant.
Genome position (GRCh38, 1-based): chr11:108,353,753, T>G. VCF-style: chr11-108353753-T-G. GRCh37 (hg19) VCF-style: chr11-108224480-T-G.
Other names: c.8672-13T>G (NM_001351834.2); c.640+32167A>C (NM_001330368.2); c.695-18461A>C (NM_001351110.2).
Identifiers: ClinVar variation 181845 (VCV000181845.8), dbSNP rs730881280, ClinGen allele CA297978.